The following is an entry in ClinVar:

NM_032119.4(ADGRV1):c.18623_18624+1del

Gene: ADGRV1 (adhesion G protein-coupled receptor V1; plus strand). Cytogenetic location: 5q14.3.
Variant type: Microsatellite.
Coding change: c.18623_18624+1del on transcript NM_032119.4 (MANE Select); coding-DNA position 18623 through the canonical splice donor site of the intron after coding-DNA position 18624, 3 bases deleted (AGG; older notation c.18623_18624+1delAGG).
Molecular consequence: splice donor variant.
Genome position (GRCh38, 1-based): chr5:91,150,220-91,150,222, AGG deleted; deleting any 3 consecutive bases within chr5:91,150,215-91,150,222 gives the same sequence; the c. name uses the placement nearest the transcript's 3' end. VCF-style (leftmost placement, unchanged base first): chr5-91150214-TGGA-T. GRCh37 (hg19) VCF-style: chr5-90446031-TGGA-T.
Identifiers: ClinVar variation 2636767 (VCV002636767.1), dbSNP rs1243455138, ClinGen allele CA815409006.

ClinVar aggregate classification (germline): Uncertain significance (1 of 4 stars; one submission).

Conditions:
ADGRV1-related disorder. Also called: ADGRV1-related condition; ADGRV1-related disorders.

Submission:

PreventionGenetics, part of Exact Sciences
Classification: Uncertain significance for ADGRV1-related condition. Last evaluated: 2023-04-17. Review status: criteria provided, single submitter. Criteria: ACMG Guidelines, 2015. Collection method: clinical testing. Allele origin: germline.
Comment: The ADGRV1 c.18623_18624+1delAGG variant is predicted to result in a deletion affecting a canonical splice site. While this small deletion overlaps the canonical splice donor site, it is predicted to create the equivalent splice donor site that would result in the in-frame loss of only a single amino acid (p.Glu6208del). To our knowledge, this variant has not been reported in the literature or in a large population database, indicating this variant is rare. Although we suspect that this variant may be pathogenic, at this time, the clinical significance of this variant is uncertain due to the absence of conclusive functional and genetic evidence.